The following is an entry in ClinVar:

NM_001145127.2(EVPLL):c.627G>A (p.Trp209Ter)

Gene: EVPLL (envoplakin like; plus strand). Cytogenetic location: 17p11.2.
Variant type: single nucleotide variant.
Coding change: c.627G>A on transcript NM_001145127.2 (MANE Select); coding-DNA position 627, G replaced by A.
Protein change: p.Trp209Ter; replaces tryptophan 209 with a stop codon.
Molecular consequence: nonsense.
Genome position (GRCh38, 1-based): chr17:18,383,140, G>A. VCF-style: chr17-18383140-G-A. GRCh37 (hg19) VCF-style: chr17-18286454-G-A.
Other names: short protein forms W209*.
Identifiers: ClinVar variation 4083961 (VCV004083961.8).

ClinVar aggregate classification (germline): Benign (1 of 4 stars; one submission).

gnomAD v4.1: 2,071 of 1,552,052 alleles (0.13%); highest among the groups gnomAD compares: African/African-American, 2.5%; 21 homozygotes.

Submission:

CeGaT Center for Human Genetics Tuebingen
Classification: Benign. Last evaluated: 2025-07-01. Review status: criteria provided, single submitter. Criteria: CeGaT Center For Human Genetics Tuebingen Variant Classification Criteria Version 2. Collection method: clinical testing. Allele origin: germline. Affected: yes. Observed: 1 variant allele.
Comment: EVPLL: BS1, BS2